The following is an entry in ClinVar:

NM_021076.4(NEFH):c.2004C>A (p.Ser668=)

Gene: NEFH (neurofilament heavy chain; plus strand). Cytogenetic location: 22q12.2.
Variant type: single nucleotide variant.
Coding change: c.2004C>A on transcript NM_021076.4 (MANE Select); coding-DNA position 2004, C replaced by A.
Protein change: p.Ser668=; no amino-acid change (serine 668 retained).
Molecular consequence: synonymous variant.
Genome position (GRCh38, 1-based): chr22:29,489,644, C>A. VCF-style: chr22-29489644-C-A. GRCh37 (hg19) VCF-style: chr22-29885633-C-A.
Other names: c.2004C>A (NM_021076.3).
Identifiers: ClinVar variation 1535651 (VCV001535651.9), dbSNP rs749252038, ClinGen allele CA10174324.
Genomic context (GRCh38, chr22:29,489,644, plus strand): 5'-CCCTGAGAAGGCCAAGTCCCCAGAGAAGGAAGAGGCCAAGTCCCCTGAGAAGGCCAAGTC[C>A]CCAGTGAAGGCAGAAGCAAAGTCCCCTGAGAAGGCCAAGTCCCCAGTGAAGGCAGAAGCA-3'
Protein context (NP_066554.2, residues 658-678): EEAKSPEKAK[Ser668=]PVKAEAKSPE

ClinVar aggregate classification (germline): Likely benign. Review status: criteria provided, single submitter (1 of 4 stars). 2 submissions from 2 submitters: Likely benign (1). 1 of the submissions does not count toward it. Last evaluated 2025-07-09.

Conditions:
NEFH-related disorder. Also called: NEFH-related condition.

Allele frequency attached by ClinVar (database versions not stated): ExAC 0.00002.
gnomAD v4.1: 5 of 1,609,462 alleles (0.00031%); highest among the groups gnomAD compares: Non-Finnish European, 0.00042%; no homozygotes.

Submissions (2):

Labcorp Genetics (formerly Invitae), Labcorp
Classification: Likely benign. Last evaluated: 2025-07-09. Review status: criteria provided, single submitter. Criteria: Invitae Variant Classification Sherloc (09022015). Collection method: clinical testing. Allele origin: germline.

PreventionGenetics, part of Exact Sciences
Classification: Likely benign for NEFH-related condition. Last evaluated: 2023-02-15. Review status: no assertion criteria provided. Collection method: clinical testing. Allele origin: germline. Not counted in ClinVar's aggregate classification.
Comment: This variant is classified as likely benign based on ACMG/AMP sequence variant interpretation guidelines (Richards et al. 2015 PMID: 25741868, with internal and published modifications).